The following is an entry in ClinVar:

ClinVar aggregate classification (germline): Uncertain significance. Review status: criteria provided, multiple submitters, no conflicts (2 of 4 stars). 3 submissions from 3 submitters: Uncertain significance (3). Last evaluated 2025-11-03.

Conditions:
Cardiovascular phenotype. Identifiers: MedGen CN230736.

Allele frequency attached by ClinVar (database versions not stated): gnomAD exomes below 0.00001; gnomAD 0.00001.
gnomAD v4.1: 7 of 1,613,916 alleles (0.00043%); highest among the groups gnomAD compares: Middle Eastern, 0.016%; no homozygotes.

Submissions (3):

Ambry Genetics
Classification: Uncertain significance for Cardiovascular phenotype. Last evaluated: 2025-11-03. Review status: criteria provided, single submitter. Criteria: Ambry Variant Classification Scheme 2023. Collection method: clinical testing. Allele origin: germline.

Quest Diagnostics Nichols Institute San Juan Capistrano
Classification: Uncertain significance. Last evaluated: 2023-11-27. Review status: criteria provided, single submitter. Criteria: Quest Diagnostics criteria. Collection method: clinical testing. Allele origin: unknown.
Comment: The APOB c.11033C>T (p.Pro3678Leu) variant has not been reported in individuals with APOB-related conditions in the published literature. It also has not been reported in large, multi-ethnic general populations (Genome Aggregation Database). Analysis of this variant using bioinformatics tools for the prediction of the effect of amino acid changes on protein structure and function yielded conflicting predictions that this variant is benign or damaging. Based on the available information, we are unable to determine the clinical significance of this variant.

CeGaT Center for Human Genetics Tuebingen
Classification: Uncertain significance. Last evaluated: 2019-05-01. Review status: criteria provided, single submitter. Criteria: CeGaT Center For Human Genetics Tuebingen Variant Classification Criteria Version 2. Collection method: clinical testing. Allele origin: germline. Affected: yes. Observed: 1 variant allele.

NM_000384.3(APOB):c.11033C>T (p.Pro3678Leu)

Gene: APOB (apolipoprotein B; minus strand). Cytogenetic location: 2p24.1.
Variant type: single nucleotide variant.
Coding change: c.11033C>T on transcript NM_000384.3 (MANE Select); coding-DNA position 11033, C replaced by T.
Protein change: p.Pro3678Leu; replaces proline 3678 with leucine.
Molecular consequence: missense variant.
Genome position (GRCh38, 1-based): chr2:21,005,835, G>A on the plus strand (C>T on the coding strand, the complement: APOB is on the minus strand). VCF-style: chr2-21005835-G-A. GRCh37 (hg19) VCF-style: chr2-21228707-G-A.
Other names: c.11033C>T (NM_000384.2); short protein forms P3678L.
Identifiers: ClinVar variation 808678 (VCV000808678.43), dbSNP rs1278748798, ClinGen allele CA345983862.
Genomic context (GRCh38, chr2:21,005,835, plus strand): 5'-CTACCAATGCTGGTGGTTACATCCAGCTTTAGGAAATCCCATAAGCTCTTGTCATAGACT[G>A]GTAGGATGATATTTTTGAGGAACCTTAGGTGTCCTTCTAAGGATCCTGCAATGTCAAGGT-3'
Protein context (NP_000375.3, residues 3668-3688): HLRFLKNIIL[Pro3678Leu]VYDKSLWDFL